The following is an entry in ClinVar:

ClinVar aggregate classification (germline): drug response (0 of 4 stars; one submission).

Conditions:
Atorvastatin response. Also called: Lipitor response. Identifiers: MedGen CN077961.

Allele frequency attached by ClinVar (database versions not stated): 1000 Genomes Project 0.01538; 1000 Genomes Project 30x 0.01671; TOPMed 0.03370; gnomAD 0.03573; ExAC 0.03930; ESP Exome Variant Server 0.04129; gnomAD exomes 0.04791.
gnomAD v4.1: 75,188 of 1,613,958 alleles (4.7%); highest among the groups gnomAD compares: Non-Finnish European, 5.4%; 1,957 homozygotes.

Submission:

Pharmacometrics, Pharmacogenomics, Pharmacokinetics Research Group, Catholic University of Louvain
Classification: drug response for atorvastatin response. Last evaluated: 2022-04-13. Review status: no assertion criteria provided. Collection method: in vitro. Allele origin: not applicable.
Comment: functional variant

NM_004996.4(ABCC1):c.2012G>T (p.Gly671Val)

Gene: ABCC1 (ATP binding cassette subfamily C member 1 (ABCC1 blood group); plus strand). Cytogenetic location: 16p13.11.
Variant type: single nucleotide variant.
Coding change: c.2012G>T on transcript NM_004996.4 (MANE Select); coding-DNA position 2012, G replaced by T.
Protein change: p.Gly671Val; replaces glycine 671 with valine.
Molecular consequence: missense variant.
Genome position (GRCh38, 1-based): chr16:16,079,375, G>T. VCF-style: chr16-16079375-G-T. GRCh37 (hg19) VCF-style: chr16-16173232-G-T.
Other names: short protein forms G671V.
Identifiers: ClinVar variation 1687048 (VCV001687048.2), dbSNP rs45511401, ClinGen allele CA7924154.
Genomic context (GRCh38, chr16:16,079,375, plus strand): 5'-TCAGCGTGGCTGAGCCAGGTGTGTTGTGTCGTTTCAGCATCACCTTCTCCATCCCCGAAG[G>T]TGCTTTGGTGGCCGTGGTGGGCCAGGTGGGCTGCGGAAAGTCGTCCCTGCTCTCAGCCCT-3'
Protein context (NP_004987.2, residues 661-681): LNGITFSIPE[Gly671Val]ALVAVVGQVG